The following is an entry in ClinVar:

ClinVar aggregate classification (germline): Pathogenic (1 of 4 stars; one submission).

Conditions:
Bosch-Boonstra-Schaaf optic atrophy syndrome (BBSOAS). Also called: NR2F1-Related Neurodevelopmental Disorder. Identifiers: Orphanet 401777, MedGen C3810363, MONDO:0014320, OMIM 615722.

Submission:

Victorian Clinical Genetics Services, Murdoch Childrens Research Institute
Classification: Pathogenic for Bosch-Boonstra-Schaaf optic atrophy syndrome. Last evaluated: 2022-03-31. Review status: criteria provided, single submitter. Criteria: ACMG Guidelines, 2015. Collection method: clinical testing. Allele origin: germline. Inheritance: Autosomal dominant inheritance. Affected: yes.
Comment: Based on the classification scheme VCGS_Germline_v1.3.4, this variant is classified as Pathogenic. Following criteria are met: 0102 - Loss of function is a known mechanism of disease in this gene and is associated with Bosch-Boonstra-Schaaf optic atrophy syndrome (MIM#615722). Dominant-negative is also a suggested mechanism (PMID: 26986877). (I) 0107 - This gene is associated with autosomal dominant disease. (I) 0200 - Variant is predicted to result in a missense amino acid change from cysteine to arginine. (I) 0251 - This variant is heterozygous. (I) 0301 - Variant is absent from gnomAD (both v2 and v3). (SP) 0501 - Missense variant consistently predicted to be damaging by multiple in silico tools or highly conserved with a major amino acid change. (SP) 0601 - Variant is located in the well-established functional zinc finger DNA-binding domain, where functional assays on nearby missense variants demonstrated reduced transcriptional activity (PMID: 24462372). (SP) 0705 - No comparable missense variants have previous evidence for pathogenicity. (I) 0802 - This variant has moderate previous evidence of pathogenicity in an unrelated individual. This variant has been classified as likely pathogenic and observed to be de novo in an individual with features including muscular hypotonia, severe global developmental delay and generalized cerebral atrophy/hypoplasia (DECIPHER). (SP) 0905 - No published segregation evidence has been identified for this variant. (I) 1007 - No published functional evidence has been identified for this variant. (SP) Legend: (SP) - Supporting pathogenic, (I) - Information, (SB) - Supporting benign

Literature cited by the submitters: PubMed 24462372; PubMed 26986877.

NM_005654.6(NR2F1):c.307T>C (p.Cys103Arg)

Genes: NR2F1-AS1 (NR2F1 regulatory antisense RNA 1; minus strand), NR2F1 (nuclear receptor subfamily 2 group F member 1; plus strand). Cytogenetic location: 5q15.
Variant type: single nucleotide variant.
Coding change: c.307T>C on transcript NM_005654.6 (MANE Select); coding-DNA position 307, T replaced by C.
Protein change: p.Cys103Arg; replaces cysteine 103 with arginine.
Molecular consequence: missense variant.
Genome position (GRCh38, 1-based): chr5:93,585,330, T>C. VCF-style: chr5-93585330-T-C. GRCh37 (hg19) VCF-style: chr5-92921036-T-C.
Other names: short protein forms C103R.
Identifiers: ClinVar variation 1804906 (VCV001804906.1), dbSNP rs2480802195, ClinGen allele CA360525980.